The following is an entry in ClinVar:

NM_001378454.1(ALMS1):c.324+4A>G

Gene: ALMS1 (ALMS1 centrosome and basal body associated protein; plus strand). Cytogenetic location: 2p13.1.
Variant type: single nucleotide variant.
Coding change: c.324+4A>G on transcript NM_001378454.1 (MANE Select); 4 bases into the intron after coding-DNA position 324, A replaced by G.
Molecular consequence: intron variant.
Genome position (GRCh38, 1-based): chr2:73,386,196, A>G. VCF-style: chr2-73386196-A-G. GRCh37 (hg19) VCF-style: chr2-73613324-A-G.
Other names: c.324+4A>G (NM_015120.4); c.327+4A>G (NM_015120.4).
Identifiers: ClinVar variation 555435 (VCV000555435.3), dbSNP rs1553396304, ClinGen allele CA658822806.

ClinVar aggregate classification (germline): Uncertain significance. Review status: criteria provided, single submitter (1 of 4 stars). 2 submissions from 2 submitters: Uncertain significance (1). 1 of the submissions does not count toward it. Last evaluated 2021-09-29.

Conditions:
Alstrom syndrome (ALMS). Identifiers: Orphanet 64, MedGen C0268425, MONDO:0008763, OMIM 203800.

Allele frequency attached by ClinVar (database versions not stated): gnomAD exomes below 0.00001; gnomAD 0.00001; 1000 Genomes Project 30x 0.00016.
gnomAD v4.1: 6 of 1,530,638 alleles (0.00039%); highest among the groups gnomAD compares: East Asian, 0.0025%; no homozygotes.

Submissions (2):

Labcorp Genetics (formerly Invitae), Labcorp
Classification: Uncertain significance for Alstrom syndrome. Last evaluated: 2021-09-29. Review status: criteria provided, single submitter. Criteria: Invitae Variant Classification Sherloc (09022015). Collection method: clinical testing. Allele origin: germline.
Comment: This sequence change falls in intron 1 of the ALMS1 gene. It does not directly change the encoded amino acid sequence of the ALMS1 protein. It affects a nucleotide within the consensus splice site of the intron. The frequency data for this variant in the population databases is considered unreliable, as metrics indicate insufficient coverage at this position in the ExAC database. This variant has not been reported in the literature in individuals affected with ALMS1-related conditions. ClinVar contains an entry for this variant (Variation ID: 555435). Variants that disrupt the consensus splice site are a relatively common cause of aberrant splicing (PMID: 17576681, 9536098). Experimental studies and prediction algorithms are not available or were not evaluated, and the effect of this variant on mRNA splicing is currently unknown. In summary, the available evidence is currently insufficient to determine the role of this variant in disease. Therefore, it has been classified as a Variant of Uncertain Significance.

Counsyl
Classification: Uncertain significance for Alstrom syndrome. Last evaluated: 2017-12-05. Review status: no assertion criteria provided. Collection method: clinical testing. Allele origin: unknown. Not counted in ClinVar's aggregate classification.

Literature cited by the submitters: PubMed 17576681 (cited by Labcorp Genetics (formerly Invitae), Labcorp); PubMed 9536098 (cited by Labcorp Genetics (formerly Invitae), Labcorp).